The following is an entry in ClinVar:

ClinVar aggregate classification (germline): Likely benign (1 of 4 stars; one submission).

Allele frequency attached by ClinVar (database versions not stated): 1000 Genomes Project 30x 0.00203; 1000 Genomes Project 0.00220; ESP Exome Variant Server 0.00329.
gnomAD v4.1: 658 of 457,836 alleles (0.14%); highest among the groups gnomAD compares: African/African-American, 1.1%; 3 homozygotes.

Submission:

CeGaT Center for Human Genetics Tuebingen
Classification: Likely benign. Last evaluated: 2026-08-01. Review status: criteria provided, single submitter. Criteria: CeGaT Center For Human Genetics Tuebingen Variant Classification Criteria Version 2. Collection method: clinical testing. Allele origin: germline. Affected: yes. Observed: 3 variant alleles.
Comment: C8orf17: BS1

NM_001160372.4(TRAPPC9):c.2811-22128T>G

Genes: C8orf17 (chromosome 8 putative open reading frame 17; plus strand), TRAPPC9 (trafficking protein particle complex subunit 9; minus strand). Cytogenetic location: 8q24.3.
Variant type: single nucleotide variant.
Coding change: c.2811-22128T>G on transcript NM_001160372.4 (MANE Select); 22128 bases into the intron before coding-DNA position 2811, T replaced by G.
Molecular consequence: intron variant. On other transcripts: non-coding transcript variant (1).
Genome position (GRCh38, 1-based): chr8:139,932,428, A>C on the plus strand (T>G on the coding strand, the complement: TRAPPC9 is on the minus strand). VCF-style: chr8-139932428-A-C. GRCh37 (hg19) VCF-style: chr8-140944672-A-C.
Other names: c.2811-22128T>G (NM_031466.8); c.2784-22128T>G (NM_001321646.2); c.2667-22128T>G (NM_001374684.1); c.2700-22128T>G (NM_001374683.1); c.2832-22128T>G (NM_001374682.1).
Identifiers: ClinVar variation 3025067 (VCV003025067.22), dbSNP rs375354037, ClinGen allele CA4892945.